The following is an entry in ClinVar:

ClinVar aggregate classification (germline): Pathogenic (1 of 4 stars; one submission).

Submission:

Labcorp Genetics (formerly Invitae), Labcorp
Classification: Pathogenic. Last evaluated: 2023-08-17. Review status: criteria provided, single submitter. Criteria: Invitae Variant Classification Sherloc (09022015). Collection method: clinical testing. Allele origin: germline.
Comment: This sequence change creates a premature translational stop signal (p.Gly2804Glufs*26) in the USH2A gene. It is expected to result in an absent or disrupted protein product. Loss-of-function variants in USH2A are known to be pathogenic (PMID: 10729113, 10909849, 20507924, 25649381). This variant is not present in population databases (gnomAD no frequency). For these reasons, this variant has been classified as Pathogenic. ClinVar contains an entry for this variant (Variation ID: 2122055). This variant has not been reported in the literature in individuals affected with USH2A-related conditions.

Literature cited by the submitters: PubMed 10729113; PubMed 10909849; PubMed 20507924; PubMed 25649381.

NM_206933.4(USH2A):c.8407del (p.Gly2804fs)

Gene: USH2A (usherin; minus strand). Cytogenetic location: 1q41.
Variant type: Deletion.
Coding change: c.8407del on transcript NM_206933.4 (MANE Select); coding-DNA position 8407, one base deleted (C; older notation c.8407delC).
Protein change: p.Gly2804fs; shifts the reading frame from glycine 2804.
Molecular consequence: frameshift variant.
Genome position (GRCh38, 1-based): chr1:215,878,915, G deleted on the plus strand (C on the coding strand, the reverse complement: USH2A is on the minus strand); the first of 2 consecutive G bases (chr1:215,878,915-215,878,916); deleting either gives the same sequence. VCF-style (leftmost placement, unchanged base first): chr1-215878914-AG-A. GRCh37 (hg19) VCF-style: chr1-216052256-AG-A.
Other names: short protein forms G2804fs.
Identifiers: ClinVar variation 2122055 (VCV002122055.4), dbSNP rs2464717019, ClinGen allele CA2580062092.